The following is an entry in ClinVar:

ClinVar aggregate classification (germline): Pathogenic (1 of 4 stars; one submission).

Conditions:
Autosomal recessive limb-girdle muscular dystrophy type 2A (LGMDR1). Also called: Limb-girdle muscular dystrophy, type 2A; LEYDEN-MOEBIUS MUSCULAR DYSTROPHY; MUSCULAR DYSTROPHY, PELVOFEMORAL; Calpainopathy; Muscular dystrophy, limb-girdle, type 2A, Amish. Identifiers: Orphanet 267, MedGen C1869123, MONDO:0009675, OMIM 253600. Disease mechanism: loss of function.

Allele frequency attached by ClinVar (database versions not stated): TOPMed below 0.00001; gnomAD exomes 0.00001 and below 0.00001.

Submission:

Labcorp Genetics (formerly Invitae), Labcorp
Classification: Pathogenic for Autosomal recessive limb-girdle muscular dystrophy type 2A. Last evaluated: 2023-10-06. Review status: criteria provided, single submitter. Criteria: Invitae Variant Classification Sherloc (09022015). Collection method: clinical testing. Allele origin: germline.
Comment: This sequence change affects the initiator methionine of the CAPN3 mRNA. The next in-frame methionine is located at codon 228. This variant is present in population databases (no rsID available, gnomAD 0.006%). Disruption of the initiator codon has been observed in individual(s) with autosomal recessive limb-girdle muscular dystrophy (PMID: 25135358). ClinVar contains an entry for this variant (Variation ID: 1453744). This variant disrupts a region of the CAPN3 protein in which other variant(s) (p.Arg49Cys) have been determined to be pathogenic (PMID: 18055493, 19285864, 19556129, 28403181). This suggests that this is a clinically significant region of the protein, and that variants that disrupt it are likely to be disease-causing. For these reasons, this variant has been classified as Pathogenic.

Literature cited by the submitters: PubMed 25135358; PubMed 18055493; PubMed 19285864; PubMed 19556129; PubMed 28403181.

NM_000070.3(CAPN3):c.1A>G (p.Met1Val)

Gene: CAPN3 (calpain 3; plus strand). Cytogenetic location: 15q15.1.
Variant type: single nucleotide variant.
Coding change: c.1A>G on transcript NM_000070.3 (MANE Select); coding-DNA position 1, A replaced by G.
Protein change: p.Met1Val; changes the start codon (methionine 1).
Molecular consequence: missense variant, initiator codon variant.
Genome position (GRCh38, 1-based): chr15:42,359,806, A>G. VCF-style: chr15-42359806-A-G. GRCh37 (hg19) VCF-style: chr15-42652004-A-G.
Other names: c.1A>G, p.Met1Val (NM_024344.2, NM_173087.2); short protein forms M1V.
Identifiers: ClinVar variation 1453744 (VCV001453744.7), dbSNP rs1566965796, ClinGen allele CA391993748.
Genomic context (GRCh38, chr15:42,359,806, plus strand): 5'-CCTTGAAGGTAGCTGTATCTTATTTTCTTTAAAAAGCTTTTTCTTCCAAAGCCACTTGCC[A>G]TGCCGACCGTCATTAGCGCATCTGTGGCTCCAAGGACAGCGGCTGAGCCCCGGTCCCCAG-3'
Protein context (NP_000061.1, residues 1-11): [Met1Val]PTVISASVAP